The following is an entry in ClinVar:

ClinVar aggregate classification (germline): Likely pathogenic (1 of 4 stars; one submission).

Submission:

Labcorp Genetics (formerly Invitae), Labcorp
Classification: Likely pathogenic. Last evaluated: 2022-07-29. Review status: criteria provided, single submitter. Criteria: Invitae Variant Classification Sherloc (09022015). Collection method: clinical testing. Allele origin: germline.
Comment: In summary, the currently available evidence indicates that the variant is pathogenic, but additional data are needed to prove that conclusively. Therefore, this variant has been classified as Likely Pathogenic. This variant has not been reported in the literature in individuals affected with USH2A-related conditions. This variant results in a copy number gain of the genomic region encompassing exon(s) 65-69 of the USH2A gene. While the exact position of this variant cannot be determined from the data, sub-genic copy number gains are generally in tandem (PMID: 25640679). This variant is predicted to be out-of-frame, and may result in an absent or disrupted protein product. Loss-of-function variants in USH2A are known to be pathogenic (PMID: 10729113, 10909849, 20507924, 25649381).

Literature cited by the submitters: PubMed 25640679; PubMed 10729113; PubMed 10909849; PubMed 20507924; PubMed 25649381.

NC_000001.10:g.(?_215812487)_(215824153_?)dup

Gene: USH2A (usherin; minus strand). Cytogenetic location: 1q41.
Variant type: Duplication.
Identifiers: ClinVar variation 2427758 (VCV002427758.4).